The following is an entry in ClinVar:

ClinVar aggregate classification (germline): Uncertain significance (1 of 4 stars; one submission).

Conditions:
Cardiovascular phenotype. Identifiers: MedGen CN230736.

Submission:

Ambry Genetics
Classification: Uncertain significance for Cardiovascular phenotype. Last evaluated: 2024-12-09. Review status: criteria provided, single submitter. Criteria: Ambry Variant Classification Scheme 2023. Collection method: clinical testing. Allele origin: germline.
Comment: The p.K65E variant (also known as c.193A>G), located in coding exon 1 of the CBL gene, results from an A to G substitution at nucleotide position 193. The lysine at codon 65 is replaced by glutamic acid, an amino acid with similar properties. This amino acid position is conserved. In addition, the in silico prediction for this alteration is inconclusive. Based on the available evidence, the clinical significance of this variant remains unclear.

NM_005188.4(CBL):c.193A>G (p.Lys65Glu)

Gene: CBL (Cbl proto-oncogene; plus strand). Cytogenetic location: 11q23.3.
Variant type: single nucleotide variant.
Coding change: c.193A>G on transcript NM_005188.4 (MANE Select); coding-DNA position 193, A replaced by G.
Protein change: p.Lys65Glu; replaces lysine 65 with glutamic acid.
Molecular consequence: missense variant.
Genome position (GRCh38, 1-based): chr11:119,206,610, A>G. VCF-style: chr11-119206610-A-G. GRCh37 (hg19) VCF-style: chr11-119077320-A-G.
Other names: short protein forms K65E.
Identifiers: ClinVar variation 3485640 (VCV003485640.1).